The following is an entry in ClinVar:

ClinVar aggregate classification (germline): Pathogenic (1 of 4 stars; one submission).

Allele frequency attached by ClinVar (database versions not stated): gnomAD exomes below 0.00001; gnomAD 0.00001; TOPMed 0.00001.

Submission:

Labcorp Genetics (formerly Invitae), Labcorp
Classification: Pathogenic. Last evaluated: 2021-09-02. Review status: criteria provided, single submitter. Criteria: Invitae Variant Classification Sherloc (09022015). Collection method: clinical testing. Allele origin: germline.
Comment: For these reasons, this variant has been classified as Pathogenic. This variant has not been reported in the literature in individuals affected with GRM6-related conditions. This variant is not present in population databases (ExAC no frequency). This sequence change creates a premature translational stop signal (p.Ser453Alafs*6) in the GRM6 gene. It is expected to result in an absent or disrupted protein product. Loss-of-function variants in GRM6 are known to be pathogenic (PMID: 15781871, 16622103, 22008250).

Literature cited by the submitters: PubMed 15781871; PubMed 16622103; PubMed 22008250.

NM_000843.4(GRM6):c.1357del (p.Ser453fs)

Genes: GRM6 (glutamate metabotropic receptor 6; minus strand), ZNF454 (zinc finger protein 454; plus strand). Cytogenetic location: 5q35.3.
Variant type: Deletion.
Coding change: c.1357del on transcript NM_000843.4 (MANE Select); coding-DNA position 1357, one base deleted (A; older notation c.1357delA).
Protein change: p.Ser453fs; shifts the reading frame from serine 453.
Molecular consequence: frameshift variant.
Genome position (GRCh38, 1-based): chr5:178,986,981, T deleted on the plus strand (A on the coding strand, the reverse complement: GRM6 is on the minus strand). VCF-style (leftmost placement, unchanged base first): chr5-178986980-CT-C. GRCh37 (hg19) VCF-style: chr5-178413981-CT-C.
Other names: short protein forms S453fs.
Identifiers: ClinVar variation 1432797 (VCV001432797.6), dbSNP rs987834241, ClinGen allele CA133026508.
Genomic context (GRCh38, chr5:178,986,980, plus strand): 5'-AAGATGTCGTACCGCCCGGGCGCATCTCCGTTCTCGTTGAACATCACAGGGGTTCCTGCG[CT>C]GCCTGGAGAGAGAGTCCGTCATCCTCGGTGGTCCTCCAGCCCAGCAGAGCTGGCCTCCTG-3'